The following is an entry in ClinVar:

NC_000013.10:g.(?_94938593)_(95102698_?)dup

Genes: DCT (dopachrome tautomerase; minus strand), GPC6 (glypican 6; plus strand). Cytogenetic location: 13q31.3-32.1.
Variant type: Duplication.
Identifiers: ClinVar variation 1064200 (VCV001064200.5).

ClinVar aggregate classification (germline): Uncertain significance (1 of 4 stars; one submission).

Submission:

Labcorp Genetics (formerly Invitae), Labcorp
Classification: Uncertain significance. Last evaluated: 2022-12-06. Review status: criteria provided, single submitter. Criteria: Invitae Variant Classification Sherloc (09022015). Collection method: clinical testing. Allele origin: germline.
Comment: In summary, the available evidence is currently insufficient to determine the role of this variant in disease. Therefore, it has been classified as a Variant of Uncertain Significance. Experimental studies and prediction algorithms are not available or were not evaluated, and the functional significance of this variant is currently unknown. This variant has not been reported in the literature in individuals affected with GPC6-related conditions. This variant results in a copy number gain of the genomic region encompassing exon(s) 5-9 of the GPC6 gene. This region includes the termination codon of the gene. This copy number gain extends beyond the assayed region for this gene and therefore may encompass additional genes. As the precise location of this event is unknown, it may be in tandem or it may be located elsewhere in the genome.